The following is an entry in ClinVar:

ClinVar aggregate classification (germline): Uncertain significance (1 of 4 stars; one submission).

gnomAD v4.1: 6 of 1,612,456 alleles (0.00037%); highest among the groups gnomAD compares: East Asian, 0.0045%; no homozygotes.

Submission:

Labcorp Genetics (formerly Invitae), Labcorp
Classification: Uncertain significance. Last evaluated: 2025-07-30. Review status: criteria provided, single submitter. Criteria: Invitae Variant Classification Sherloc (09022015). Collection method: clinical testing. Allele origin: germline.
Comment: This sequence change replaces asparagine, which is neutral and polar, with serine, which is neutral and polar, at codon 2539 of the HMCN1 protein (p.Asn2539Ser). This variant is present in population databases (rs762025630, gnomAD 0.0009%). This variant has not been reported in the literature in individuals affected with HMCN1-related conditions. ClinVar contains an entry for this variant (Variation ID: 3676173). An algorithm developed to predict the effect of missense changes on protein structure and function outputs the following: PolyPhen-2: "Probably Damaging". The serine amino acid residue is found in multiple mammalian species, which suggests that this missense change does not adversely affect protein function. In summary, the available evidence is currently insufficient to determine the role of this variant in disease. Therefore, it has been classified as a Variant of Uncertain Significance.

NM_031935.3(HMCN1):c.7616A>G (p.Asn2539Ser)

Gene: HMCN1 (hemicentin 1; plus strand). Cytogenetic location: 1q31.1.
Variant type: single nucleotide variant.
Coding change: c.7616A>G on transcript NM_031935.3 (MANE Select); coding-DNA position 7616, A replaced by G.
Protein change: p.Asn2539Ser; replaces asparagine 2539 with serine.
Molecular consequence: missense variant.
Genome position (GRCh38, 1-based): chr1:186,065,340, A>G. VCF-style: chr1-186065340-A-G. GRCh37 (hg19) VCF-style: chr1-186034472-A-G.
Other names: short protein forms N2539S.
Identifiers: ClinVar variation 3676173 (VCV003676173.2).